The following is an entry in ClinVar:

ClinVar aggregate classification (germline): Conflicting classifications of pathogenicity. Review status: criteria provided, conflicting classifications (1 of 4 stars). 3 submissions from 3 submitters: Uncertain significance (2); Likely benign (1). Last evaluated 2025-09-19.

Conditions:
Cornelia de Lange syndrome 1 (CDLS1). Also called: TYPUS DEGENERATIVUS AMSTELODAMENSIS; Brachmann de Lange syndrome; NIPBL-Related Cornelia de Lange Syndrome. Identifiers: Orphanet 199, MedGen C4551851, MONDO:0007387, OMIM 122470.
Inborn genetic diseases. Identifiers: MedGen C0950123, MeSH D030342.

Allele frequency attached by ClinVar (database versions not stated): gnomAD 0.00001; gnomAD exomes 0.00001 and 0.00004; ExAC 0.00003; TOPMed 0.00003; 1000 Genomes Project 0.00020; 1000 Genomes Project 30x 0.00031.
gnomAD v4.1: 23 of 1,613,674 alleles (0.0014%); highest among the groups gnomAD compares: Middle Eastern, 0.017%; 1 homozygote.

Submissions (3):

Labcorp Genetics (formerly Invitae), Labcorp
Classification: Uncertain significance for Cornelia de Lange syndrome 1. Last evaluated: 2025-09-19. Review status: criteria provided, single submitter. Criteria: Invitae Variant Classification Sherloc (09022015). Collection method: clinical testing. Allele origin: germline.
Comment: This sequence change replaces threonine, which is neutral and polar, with methionine, which is neutral and non-polar, at codon 528 of the NIPBL protein (p.Thr528Met). This variant is present in population databases (rs574981584, gnomAD 0.02%). This variant has not been reported in the literature in individuals affected with NIPBL-related conditions. ClinVar contains an entry for this variant (Variation ID: 543050). Invitae Evidence Modeling of protein sequence and biophysical properties (such as structural, functional, and spatial information, amino acid conservation, physicochemical variation, residue mobility, and thermodynamic stability) has been performed for this missense variant. However, the output from this modeling did not meet the statistical confidence thresholds required to predict the impact of this variant on NIPBL protein function. In summary, the available evidence is currently insufficient to determine the role of this variant in disease. Therefore, it has been classified as a Variant of Uncertain Significance.

GeneDx
Classification: Uncertain significance. Last evaluated: 2025-06-17. Review status: criteria provided, single submitter. Criteria: GeneDx Variant Classification Process June 2021. Collection method: clinical testing. Allele origin: germline. Affected: yes.
Comment: In silico analysis suggests that this missense variant does not alter protein structure/function; Has not been previously published as pathogenic or benign to our knowledge

Ambry Genetics
Classification: Likely benign for Inborn genetic diseases. Last evaluated: 2023-01-11. Review status: criteria provided, single submitter. Criteria: Ambry Variant Classification Scheme 2023. Collection method: clinical testing. Allele origin: germline.

NM_133433.4(NIPBL):c.1583C>T (p.Thr528Met)

Gene: NIPBL (NIPBL cohesin loading factor; plus strand). Cytogenetic location: 5p13.2.
Variant type: single nucleotide variant.
Coding change: c.1583C>T on transcript NM_133433.4 (MANE Select); coding-DNA position 1583, C replaced by T.
Protein change: p.Thr528Met; replaces threonine 528 with methionine.
Molecular consequence: missense variant.
Genome position (GRCh38, 1-based): chr5:36,984,763, C>T. VCF-style: chr5-36984763-C-T. GRCh37 (hg19) VCF-style: chr5-36984865-C-T.
Other names: c.1583C>T, p.Thr528Met (NM_015384.5); short protein forms T528M.
Identifiers: ClinVar variation 543050 (VCV000543050.9), dbSNP rs574981584, ClinGen allele CA3236056.